The following is an entry in ClinVar:

ClinVar aggregate classification (germline): Uncertain significance (1 of 4 stars; one submission).

Conditions:
Deficiency of butyryl-CoA dehydrogenase (ACADSD). Also called: SCADH DEFICIENCY; Short-Chain Acyl-CoA Dehydrogenase Deficiency; SCAD Deficiency; ACADS DEFICIENCY; ACYL-CoA DEHYDROGENASE, SHORT-CHAIN, DEFICIENCY OF; SCAD DEFICIENCY, MILD. Identifiers: Orphanet 26792, MedGen C0342783, MONDO:0008722, OMIM 201470. Disease mechanism: May be benign.

gnomAD v4.1: 2 of 1,613,628 alleles (0.00012%); highest among the groups gnomAD compares: East Asian, 0.0045%; no homozygotes.

Submission:

Labcorp Genetics (formerly Invitae), Labcorp
Classification: Uncertain significance for Deficiency of butyryl-CoA dehydrogenase. Last evaluated: 2022-03-26. Review status: criteria provided, single submitter. Criteria: Invitae Variant Classification Sherloc (09022015). Collection method: clinical testing. Allele origin: germline.
Comment: In summary, the available evidence is currently insufficient to determine the role of this variant in disease. Therefore, it has been classified as a Variant of Uncertain Significance. Advanced modeling of protein sequence and biophysical properties (such as structural, functional, and spatial information, amino acid conservation, physicochemical variation, residue mobility, and thermodynamic stability) performed at Invitae indicates that this missense variant is not expected to disrupt ACADS protein function. This variant has not been reported in the literature in individuals affected with ACADS-related conditions. This variant is present in population databases (rs768292774, gnomAD 0.01%). This sequence change replaces arginine, which is basic and polar, with leucine, which is neutral and non-polar, at codon 247 of the ACADS protein (p.Arg247Leu).

NM_000017.4(ACADS):c.740G>T (p.Arg247Leu)

Gene: ACADS (acyl-CoA dehydrogenase short chain; plus strand). Cytogenetic location: 12q24.31.
Variant type: single nucleotide variant.
Coding change: c.740G>T on transcript NM_000017.4 (MANE Select); coding-DNA position 740, G replaced by T.
Protein change: p.Arg247Leu; replaces arginine 247 with leucine.
Molecular consequence: missense variant.
Genome position (GRCh38, 1-based): chr12:120,738,395, G>T. VCF-style: chr12-120738395-G-T. GRCh37 (hg19) VCF-style: chr12-121176198-G-T.
Other names: c.728G>T, p.Arg243Leu (NM_001302554.2); short protein forms R247L, R243L.
Identifiers: ClinVar variation 2182725 (VCV002182725.4), dbSNP rs768292774, ClinGen allele CA6831047.